The following is an entry in ClinVar:

ClinVar aggregate classification (germline): Likely benign (1 of 4 stars; one submission).

Submission:

CeGaT Center for Human Genetics Tuebingen
Classification: Likely benign. Last evaluated: 2025-03-01. Review status: criteria provided, single submitter. Criteria: CeGaT Center For Human Genetics Tuebingen Variant Classification Criteria Version 2. Collection method: clinical testing. Allele origin: germline. Affected: yes. Observed: 2 variant alleles.
Comment: ZNF676: PM2:Supporting, BP4, BP7

NM_001001411.3(ZNF676):c.1224C>T (p.Leu408=)

Gene: ZNF676 (zinc finger protein 676). Cytogenetic location: 19p12.
Variant type: single nucleotide variant.
Coding change: c.1224C>T on transcript NM_001001411.3 (MANE Select); coding-DNA position 1224, C replaced by T.
Protein change: p.Leu408=; no amino-acid change (leucine 408 retained).
Molecular consequence: synonymous variant.
Genome position (GRCh38, 1-based): chr19:22,180,493, G>A on the plus strand (C>T on the coding strand, the complement: ZNF676 is on the minus strand). VCF-style: chr19-22180493-G-A. GRCh37 (hg19) VCF-style: chr19-22363295-G-A.
Identifiers: ClinVar variation 2649642 (VCV002649642.24), dbSNP rs1473342497, ClinGen allele CA506615387.